The following is an entry in ClinVar:

ClinVar aggregate classification (germline): Uncertain significance (1 of 4 stars; one submission).

Submission:

Labcorp Genetics (formerly Invitae), Labcorp
Classification: Uncertain significance. Last evaluated: 2022-07-25. Review status: criteria provided, single submitter. Criteria: Invitae Variant Classification Sherloc (09022015). Collection method: clinical testing. Allele origin: germline.
Comment: This sequence change replaces asparagine, which is neutral and polar, with tyrosine, which is neutral and polar, at codon 52 of the SPP2 protein (p.Asn52Tyr). This variant is not present in population databases (gnomAD no frequency). This variant has not been reported in the literature in individuals affected with SPP2-related conditions. ClinVar contains an entry for this variant (Variation ID: 1374290). Algorithms developed to predict the effect of missense changes on protein structure and function (SIFT, PolyPhen-2, Align-GVGD) all suggest that this variant is likely to be disruptive. In summary, the available evidence is currently insufficient to determine the role of this variant in disease. Therefore, it has been classified as a Variant of Uncertain Significance.

NM_006944.3(SPP2):c.154A>T (p.Asn52Tyr)

Gene: SPP2 (secreted phosphoprotein 2; plus strand). Cytogenetic location: 2q37.1.
Variant type: single nucleotide variant.
Coding change: c.154A>T on transcript NM_006944.3 (MANE Select); coding-DNA position 154, A replaced by T.
Protein change: p.Asn52Tyr; replaces asparagine 52 with tyrosine.
Molecular consequence: missense variant.
Genome position (GRCh38, 1-based): chr2:234,051,039, A>T. VCF-style: chr2-234051039-A-T. GRCh37 (hg19) VCF-style: chr2-234959683-A-T.
Other names: short protein forms N52Y.
Identifiers: ClinVar variation 1374290 (VCV001374290.8), dbSNP rs1693482369, ClinGen allele CA351099781.
Genomic context (GRCh38, chr2:234,051,039, plus strand): 5'-GTGTACGACTACGATCCATCCTCCTTAAGGGATGCCCTCAGTGCCTCTGTGGTAAAAGTG[A>T]ATTCCCAGTCACTGAGTCCGTATCTGTTTCGGGCATTCAGAAGCTCATTAAAAAGAGTAA-3'
Protein context (NP_008875.1, residues 42-62): DALSASVVKV[Asn52Tyr]SQSLSPYLFR